The following is an entry in ClinVar:

NM_001130823.3(DNMT1):c.226-4G>A

Gene: DNMT1 (DNA methyltransferase 1; minus strand). Cytogenetic location: 19p13.2.
Variant type: single nucleotide variant.
Coding change: c.226-4G>A on transcript NM_001130823.3 (MANE Select); 4 bases into the intron before coding-DNA position 226, G replaced by A.
Molecular consequence: intron variant.
Genome position (GRCh38, 1-based): chr19:10,180,573, C>T on the plus strand (G>A on the coding strand, the complement: DNMT1 is on the minus strand). VCF-style: chr19-10180573-C-T. GRCh37 (hg19) VCF-style: chr19-10291249-C-T.
Other names: c.226-4G>A (NM_001130823.2, NM_001379.4, NM_001318730.2); c.-98-44G>A (NM_001318731.2).
Identifiers: ClinVar variation 1115995 (VCV001115995.10), dbSNP rs2039027880, ClinGen allele CA993430861.
Genomic context (GRCh38, chr19:10,180,573, plus strand): 5'-GTTCTCCAAGGACAAATCTTTATTTAAAAGGGATTTGACTTTAGCCAGGTAGCCCTCCTA[C>T]AGCAGGAAAGGATAATTTAAGTAGCAGTGAATGTAAACAAGTGTCAGAGAACAAGGAAAC-3'

ClinVar aggregate classification (germline): Likely benign. Review status: criteria provided, multiple submitters, no conflicts (2 of 4 stars). 2 submissions from 2 submitters: Likely benign (2). Last evaluated 2026-01-04.

Conditions:
DNMT1-related disorder. Also called: DNMT1-related condition. Identifiers: MedGen CN381527.
Hereditary sensory neuropathy-deafness-dementia syndrome. Also called: Hereditary sensory neuropathy type IE; HSN IE; NEUROPATHY, HEREDITARY SENSORY, WITH HEARING LOSS AND DEMENTIA; Hereditary Sensory and Autonomic Neuropathy Type 1E (HSAN1E). Identifiers: Orphanet 456318, MedGen C3279885, MONDO:0013584, OMIM 614116.

Allele frequency attached by ClinVar (database versions not stated): gnomAD exomes below 0.00001; TOPMed below 0.00001; gnomAD 0.00001.

Submissions (2):

PreventionGenetics, part of Exact Sciences
Classification: Likely benign for DNMT1-related condition. Last evaluated: 2026-01-04. Review status: criteria provided, single submitter. Criteria: ACMG Guidelines, 2015. Collection method: clinical testing. Allele origin: germline.
Comment: This variant is classified as likely benign based on ACMG/AMP sequence variant interpretation guidelines (Richards et al. 2015 PMID: 25741868, with internal and published modifications).

Labcorp Genetics (formerly Invitae), Labcorp
Classification: Likely benign for Hereditary sensory neuropathy-deafness-dementia syndrome. Last evaluated: 2023-08-16. Review status: criteria provided, single submitter. Criteria: Invitae Variant Classification Sherloc (09022015). Collection method: clinical testing. Allele origin: germline.